The following is an entry in ClinVar:

ClinVar aggregate classification (germline): Likely benign. Review status: criteria provided, multiple submitters, no conflicts (2 of 4 stars). 5 submissions from 5 submitters: Likely benign (5). Last evaluated 2025-10-01.

Submissions (5):

CeGaT Center for Human Genetics Tuebingen
Classification: Likely benign. Last evaluated: 2025-10-01. Review status: criteria provided, single submitter. Criteria: CeGaT Center For Human Genetics Tuebingen Variant Classification Criteria Version 2. Collection method: clinical testing. Allele origin: germline. Affected: yes. Observed: 2 variant alleles.
Comment: ARID1B: BS1

Labcorp Genetics (formerly Invitae), Labcorp
Classification: Likely benign. Last evaluated: 2025-09-07. Review status: criteria provided, single submitter. Criteria: Invitae Variant Classification Sherloc (09022015). Collection method: clinical testing. Allele origin: germline.

Blueprint Genetics
Classification: Likely benign. Last evaluated: 2024-09-24. Review status: criteria provided, single submitter. Criteria: ACMG Guidelines, 2015. Collection method: clinical testing. Allele origin: germline.

GeneDx
Classification: Likely benign. Last evaluated: 2022-03-02. Review status: criteria provided, single submitter. Criteria: GeneDx Variant Classification Process June 2021. Collection method: clinical testing. Allele origin: germline. Affected: yes.

Center for Pediatric Genomic Medicine, Children's Mercy Hospital and Clinics
Classification: Likely benign. Last evaluated: 2016-11-22. Review status: criteria provided, single submitter. Criteria: ACMG Guidelines, 2015. Collection method: clinical testing. Allele origin: germline.
ClinVar note: Converted during submission from Likely Benign to Likely benign.

NM_001374828.1(ARID1B):c.612_626del (p.Gln210_Gln214del)

Genes: ARID1B (AT-rich interaction domain 1B; plus strand), LOC115308161 (uncharacterized LOC115308161; minus strand). Cytogenetic location: 6q25.3.
Variant type: Deletion.
Coding change: c.612_626del on transcript NM_001374828.1 (MANE Select); coding-DNA positions 612 to 626, 15 bases deleted (ACAGCAGCAGCAGCA).
Protein change: p.Gln210_Gln214del.
Molecular consequence: inframe deletion. On other transcripts: non-coding transcript variant (1).
Genome position (GRCh38, 1-based): chr6:156,778,292-156,778,306, ACAGCAGCAGCAGCA deleted; deleting any 15 consecutive bases within chr6:156,778,278-156,778,306 gives the same sequence; the c. name uses the placement nearest the transcript's 3' end. VCF-style (leftmost placement, unchanged base first): chr6-156778277-GCAGCAGCAGCAGCAA-G. GRCh37 (hg19) VCF-style: chr6-157099411-GCAGCAGCAGCAGCAA-G.
Other names: c.612_626del, p.Gln210_Gln214del (NM_017519.3, NM_001371656.1, NM_001374820.1); c.363_377del (NM_020732.3).
Identifiers: ClinVar variation 376846 (VCV000376846.34), dbSNP rs774668010, ClinGen allele CA4066652.